The following is an entry in ClinVar:

NM_001365999.1(SZT2):c.8209A>G (p.Ser2737Gly)

Gene: SZT2 (SZT2 subunit of KICSTOR complex; plus strand). Cytogenetic location: 1p34.2.
Variant type: single nucleotide variant.
Coding change: c.8209A>G on transcript NM_001365999.1 (MANE Select); coding-DNA position 8209, A replaced by G.
Protein change: p.Ser2737Gly; replaces serine 2737 with glycine.
Molecular consequence: missense variant.
Genome position (GRCh38, 1-based): chr1:43,442,876, A>G. VCF-style: chr1-43442876-A-G. GRCh37 (hg19) VCF-style: chr1-43908547-A-G.
Other names: c.8038A>G, p.Ser2680Gly (NM_015284.4); short protein forms S2680G, S2737G.
Identifiers: ClinVar variation 1014100 (VCV001014100.6), dbSNP rs373822729, ClinGen allele CA21648368.
Genomic context (GRCh38, chr1:43,442,876, plus strand): 5'-CAGGAGCCAAACCCATTCCTGCTGCCGACCATGGAAGTGGAGACCCTCATCCGGAGTGCA[A>G]GTCCCCCGCTGAGCCGTGAGCAGGGCCGACTGAGTGGGTCCTCTCGTGGTGGGGGTCCTC-3'
Protein context (NP_001352928.1, residues 2727-2747): MEVETLIRSA[Ser2737Gly]PPLSREQGRL

ClinVar aggregate classification (germline): Uncertain significance (1 of 4 stars; one submission).

Allele frequency attached by ClinVar (database versions not stated): TOPMed 0.00001; ESP Exome Variant Server 0.00008.
gnomAD v4.1: 9 of 1,613,512 alleles (0.00056%); highest among the groups gnomAD compares: Non-Finnish European, 0.00076%; no homozygotes.

Submission:

Labcorp Genetics (formerly Invitae), Labcorp
Classification: Uncertain significance. Last evaluated: 2021-09-01. Review status: criteria provided, single submitter. Criteria: Invitae Variant Classification Sherloc (09022015). Collection method: clinical testing. Allele origin: germline.
Comment: This sequence change replaces serine with glycine at codon 2680 of the SZT2 protein (p.Ser2680Gly). The serine residue is highly conserved and there is a small physicochemical difference between serine and glycine. This variant is not present in population databases (ExAC no frequency). This variant has not been reported in the literature in individuals affected with SZT2-related conditions. Algorithms developed to predict the effect of missense changes on protein structure and function output the following: SIFT: "Tolerated"; PolyPhen-2: "Benign"; Align-GVGD: "Class C0". The glycine amino acid residue is found in multiple mammalian species, which suggests that this missense change does not adversely affect protein function. Algorithms developed to predict the effect of sequence changes on RNA splicing suggest that this variant may create or strengthen a splice site. In summary, the available evidence is currently insufficient to determine the role of this variant in disease. Therefore, it has been classified as a Variant of Uncertain Significance.